The following is an entry in ClinVar:

NM_002471.4(MYH6):c.1672C>A (p.Leu558Met)

Gene: MYH6 (myosin heavy chain 6; minus strand). Cytogenetic location: 14q11.2.
Variant type: single nucleotide variant.
Coding change: c.1672C>A on transcript NM_002471.4 (MANE Select); coding-DNA position 1672, C replaced by A.
Protein change: p.Leu558Met; replaces leucine 558 with methionine.
Molecular consequence: missense variant.
Genome position (GRCh38, 1-based): chr14:23,398,947, G>T on the plus strand (C>A on the coding strand, the complement: MYH6 is on the minus strand). VCF-style: chr14-23398947-G-T. GRCh37 (hg19) VCF-style: chr14-23868156-G-T.
Other names: short protein forms L558M.
Identifiers: ClinVar variation 2178559 (VCV002178559.4), dbSNP rs1463678920, ClinGen allele CA389020766.

ClinVar aggregate classification (germline): Uncertain significance (1 of 4 stars; one submission).

Conditions:
Hypertrophic cardiomyopathy 14. Identifiers: MedGen C2750467, MONDO:0013197, OMIM 613251.

Allele frequency attached by ClinVar (database versions not stated): gnomAD exomes 0.00001.
gnomAD v4.1: 12 of 1,614,148 alleles (0.00074%); highest among the groups gnomAD compares: Non-Finnish European, 0.001%; no homozygotes.

Submission:

Labcorp Genetics (formerly Invitae), Labcorp
Classification: Uncertain significance for Hypertrophic cardiomyopathy 14. Last evaluated: 2022-02-12. Review status: criteria provided, single submitter. Criteria: Invitae Variant Classification Sherloc (09022015). Collection method: clinical testing. Allele origin: germline.
Comment: This sequence change replaces leucine, which is neutral and non-polar, with methionine, which is neutral and non-polar, at codon 558 of the MYH6 protein (p.Leu558Met). In summary, the available evidence is currently insufficient to determine the role of this variant in disease. Therefore, it has been classified as a Variant of Uncertain Significance. Algorithms developed to predict the effect of missense changes on protein structure and function are either unavailable or do not agree on the potential impact of this missense change (SIFT: "Tolerated"; PolyPhen-2: "Possibly Damaging"; Align-GVGD: "Class C0"). This variant has not been reported in the literature in individuals affected with MYH6-related conditions. This variant is present in population databases (no rsID available, gnomAD 0.002%).